The following is an entry in ClinVar:

ClinVar aggregate classification (germline): Uncertain significance (1 of 4 stars; one submission).

Conditions:
Peroxisome biogenesis disorder, complementation group K (CGK). Identifiers: MedGen C1866257, MONDO:0800365.

Submission:

Labcorp Genetics (formerly Invitae), Labcorp
Classification: Uncertain significance for Peroxisome biogenesis disorder, complementation group K. Last evaluated: 2022-03-19. Review status: criteria provided, single submitter. Criteria: Invitae Variant Classification Sherloc (09022015). Collection method: clinical testing. Allele origin: germline.
Comment: This sequence change replaces glutamic acid, which is acidic and polar, with alanine, which is neutral and non-polar, at codon 375 of the PEX14 protein (p.Glu375Ala). This variant is not present in population databases (gnomAD no frequency). This variant has not been reported in the literature in individuals affected with PEX14-related conditions. Algorithms developed to predict the effect of missense changes on protein structure and function are either unavailable or do not agree on the potential impact of this missense change (SIFT: "Deleterious"; PolyPhen-2: "Benign"; Align-GVGD: "Class C0"). In summary, the available evidence is currently insufficient to determine the role of this variant in disease. Therefore, it has been classified as a Variant of Uncertain Significance.

NM_004565.3(PEX14):c.1124A>C (p.Glu375Ala)

Gene: PEX14 (peroxisomal biogenesis factor 14; plus strand). Cytogenetic location: 1p36.22.
Variant type: single nucleotide variant.
Coding change: c.1124A>C on transcript NM_004565.3 (MANE Select); coding-DNA position 1124, A replaced by C.
Protein change: p.Glu375Ala; replaces glutamic acid 375 with alanine.
Molecular consequence: missense variant.
Genome position (GRCh38, 1-based): chr1:10,629,977, A>C. VCF-style: chr1-10629977-A-C. GRCh37 (hg19) VCF-style: chr1-10690034-A-C.
Other names: short protein forms E375A.
Identifiers: ClinVar variation 1446594 (VCV001446594.8), dbSNP rs1337084727, ClinGen allele CA338340198.